The following is an entry in ClinVar:

ClinVar aggregate classification (germline): Uncertain significance. Review status: criteria provided, multiple submitters, no conflicts (2 of 4 stars). 2 submissions from 2 submitters: Uncertain significance (2). Last evaluated 2021-08-13.

Conditions:
Deficiency of 2-methylbutyryl-CoA dehydrogenase (ACADSB). Also called: 2-methylbutyryl-CoA dehydrogenase deficiency; SBCAD deficiency; 2-methylbutyric aciduria; Short branched-chain acyl-CoA dehydrogenase deficiency; 2-methylbutyrylglycinuria. Identifiers: Orphanet 79157, MedGen C1864912, MONDO:0012392, OMIM 610006, HP:0020147.

Allele frequency attached by ClinVar (database versions not stated): TOPMed 0.00002; ExAC 0.00004; ESP Exome Variant Server 0.00008.
gnomAD v4.1: 20 of 1,614,036 alleles (0.0012%); highest among the groups gnomAD compares: Middle Eastern, 0.017%; no homozygotes.

Submissions (3):

Labcorp Genetics (formerly Invitae), Labcorp
Classification: Uncertain significance for Deficiency of 2-methylbutyryl-CoA dehydrogenase. Last evaluated: 2021-08-13. Review status: criteria provided, single submitter. Criteria: Invitae Variant Classification Sherloc (09022015). Collection method: clinical testing. Allele origin: germline.
Comment: This sequence change replaces valine with leucine at codon 124 of the ACADSB protein (p.Val124Leu). The valine residue is moderately conserved and there is a small physicochemical difference between valine and leucine. This variant is present in population databases (rs375217368, ExAC 0.01%). This missense change has been observed in individual(s) with clinical features of ACADSB-related conditions (Invitae). Algorithms developed to predict the effect of missense changes on protein structure and function are either unavailable or do not agree on the potential impact of this missense change (SIFT: "Tolerated"; PolyPhen-2: "Possibly Damaging"; Align-GVGD: "Class C0"). In summary, the available evidence is currently insufficient to determine the role of this variant in disease. Therefore, it has been classified as a Variant of Uncertain Significance.

Illumina Laboratory Services, Illumina
Classification: Uncertain significance for Deficiency of 2-methylbutyryl-CoA dehydrogenase. Last evaluated: 2018-01-13. Review status: criteria provided, single submitter. Criteria: ICSL Variant Classification Criteria 13 December 2019. Collection method: clinical testing. Allele origin: germline.

Dr. Peter K. Rogan Lab, Western University
No classification provided (evidence only). Condition: Cervical cancer. Review status: no classification provided. Collection method: in vitro. Allele origin: not applicable. Functional consequence: retained intron. Not counted in ClinVar's aggregate classification.

NM_001609.4(ACADSB):c.370G>C (p.Val124Leu)

Gene: ACADSB (acyl-CoA dehydrogenase short/branched chain; plus strand). Cytogenetic location: 10q26.13.
Variant type: single nucleotide variant.
Coding change: c.370G>C on transcript NM_001609.4 (MANE Select); coding-DNA position 370, G replaced by C.
Protein change: p.Val124Leu; replaces valine 124 with leucine.
Molecular consequence: missense variant.
Genome position (GRCh38, 1-based): chr10:123,040,532, G>C. VCF-style: chr10-123040532-G-C. GRCh37 (hg19) VCF-style: chr10-124800048-G-C.
Other names: c.64G>C, p.Val22Leu (NM_001330174.3); short protein forms V124L, V22L.
Identifiers: ClinVar variation 664317 (VCV000664317.10), dbSNP rs375217368, ClinGen allele CA5730694.
Genomic context (GRCh38, chr10:123,040,532, plus strand): 5'-GGTATTGAAGTTGACCCAGAATATGGAGGCACAGGAGCTTCATTTTTATCCACTGTGCTC[G>C]TGATAGAGGAATTAGCCAAAGTTGATGCATCTGTGGCTGTCTTTTGTGAGATCCAGAACA-3'
Protein context (NP_001600.1, residues 114-134): TGASFLSTVL[Val124Leu]IEELAKVDAS